The following is an entry in ClinVar:

ClinVar aggregate classification (germline): Likely pathogenic (1 of 4 stars; one submission).

Allele frequency attached by ClinVar (database versions not stated): gnomAD exomes below 0.00001.

Submission:

Labcorp Genetics (formerly Invitae), Labcorp
Classification: Likely pathogenic. Last evaluated: 2025-11-05. Review status: criteria provided, single submitter. Criteria: Invitae Variant Classification Sherloc (09022015). Collection method: clinical testing. Allele origin: germline.
Comment: This sequence change replaces methionine, which is neutral and non-polar, with threonine, which is neutral and polar, at codon 1045 of the ABCA4 protein (p.Met1045Thr). This variant is present in population databases (no rsID available, gnomAD 0.0009%). This missense change has been observed in individual(s) with ABCA4-related conditions (internal data). In at least one individual the data is consistent with being in trans (on the opposite chromosome) from a pathogenic variant. ClinVar contains an entry for this variant (Variation ID: 2131785). Invitae Evidence Modeling of protein sequence and biophysical properties (such as structural, functional, and spatial information, amino acid conservation, physicochemical variation, residue mobility, and thermodynamic stability) indicates that this missense variant is expected to disrupt ABCA4 protein function with a positive predictive value of 95%. In summary, the currently available evidence indicates that the variant is pathogenic, but additional data are needed to prove that conclusively. Therefore, this variant has been classified as Likely Pathogenic.

NM_000350.3(ABCA4):c.3134T>C (p.Met1045Thr)

Gene: ABCA4 (ATP binding cassette subfamily A member 4; minus strand). Cytogenetic location: 1p22.1.
Variant type: single nucleotide variant.
Coding change: c.3134T>C on transcript NM_000350.3 (MANE Select); coding-DNA position 3134, T replaced by C.
Protein change: p.Met1045Thr; replaces methionine 1045 with threonine.
Molecular consequence: missense variant.
Genome position (GRCh38, 1-based): chr1:94,043,392, A>G on the plus strand (T>C on the coding strand, the complement: ABCA4 is on the minus strand). VCF-style: chr1-94043392-A-G. GRCh37 (hg19) VCF-style: chr1-94508948-A-G.
Other names: c.2912T>C, p.Met971Thr (NM_001425324.1); short protein forms M1045T, M971T.
Identifiers: ClinVar variation 2131785 (VCV002131785.4), dbSNP rs1394101107, ClinGen allele CA341292512.